The following is an entry in ClinVar:

ClinVar aggregate classification (germline): Uncertain significance (1 of 4 stars; one submission).

Allele frequency attached by ClinVar (database versions not stated): gnomAD exomes below 0.00001.
gnomAD v4.1: 1 of 1,614,150 alleles (0.000062%); highest among the groups gnomAD compares: East Asian, 0.0022%; no homozygotes.

Submission:

CeGaT Center for Human Genetics Tuebingen
Classification: Uncertain significance. Last evaluated: 2023-03-01. Review status: criteria provided, single submitter. Criteria: CeGaT Center For Human Genetics Tuebingen Variant Classification Criteria Version 2. Collection method: clinical testing. Allele origin: germline. Affected: yes. Observed: 1 variant allele.
Comment: SYNE1: PM2, BP4

NM_182961.4(SYNE1):c.15527C>T (p.Ala5176Val)

Gene: SYNE1 (spectrin repeat containing nuclear envelope protein 1; minus strand). Cytogenetic location: 6q25.2.
Variant type: single nucleotide variant.
Coding change: c.15527C>T on transcript NM_182961.4 (MANE Select); coding-DNA position 15527, C replaced by T.
Protein change: p.Ala5176Val; replaces alanine 5176 with valine.
Molecular consequence: missense variant.
Genome position (GRCh38, 1-based): chr6:152,325,214, G>A on the plus strand (C>T on the coding strand, the complement: SYNE1 is on the minus strand). VCF-style: chr6-152325214-G-A. GRCh37 (hg19) VCF-style: chr6-152646349-G-A.
Other names: c.15314C>T, p.Ala5105Val (NM_033071.5); short protein forms A5105V, A5176V.
Identifiers: ClinVar variation 2657016 (VCV002657016.24), dbSNP rs2484601655, ClinGen allele CA366091176.